The following is an entry in ClinVar:

NM_138713.4(NFAT5):c.2105C>T (p.Ser702Leu)

Gene: NFAT5 (nuclear factor of activated T cells 5; plus strand). Cytogenetic location: 16q22.1.
Variant type: single nucleotide variant.
Coding change: c.2105C>T on transcript NM_138713.4 (MANE Select); coding-DNA position 2105, C replaced by T.
Protein change: p.Ser702Leu; replaces serine 702 with leucine.
Molecular consequence: missense variant.
Genome position (GRCh38, 1-based): chr16:69,691,930, C>T. VCF-style: chr16-69691930-C-T. GRCh37 (hg19) VCF-style: chr16-69725833-C-T.
Other names: c.2102C>T, p.Ser701Leu (NM_001113178.3); c.1430C>T, p.Ser477Leu (NM_001367709.1); c.2051C>T, p.Ser684Leu (NM_006599.4); c.1823C>T, p.Ser608Leu (NM_138714.4, NM_173214.3, NM_173215.3); c.2105C>T (NM_138713.3); short protein forms S477L, S684L, S608L, S701L, S702L.
Identifiers: ClinVar variation 840544 (VCV000840544.10), dbSNP rs369860927, ClinGen allele CA8135715.

ClinVar aggregate classification (germline): Uncertain significance. Review status: criteria provided, multiple submitters, no conflicts (2 of 4 stars). 2 submissions from 2 submitters: Uncertain significance (2). Last evaluated 2025-10-29.

Conditions:
Immunodeficiency. Identifiers: MedGen C0021051, MONDO:0021094, HP:0002721.

Allele frequency attached by ClinVar (database versions not stated): TOPMed 0.00003; gnomAD exomes 0.00004 and 0.00009; gnomAD 0.00005; ExAC 0.00007; ESP Exome Variant Server 0.00008.
gnomAD v4.1: 139 of 1,614,054 alleles (0.0086%); highest among the groups gnomAD compares: Non-Finnish European, 0.011%; no homozygotes.

Submissions (2):

Labcorp Genetics (formerly Invitae), Labcorp
Classification: Uncertain significance for Immunodeficiency. Last evaluated: 2025-10-29. Review status: criteria provided, single submitter. Criteria: Invitae Variant Classification Sherloc (09022015). Collection method: clinical testing. Allele origin: germline.
Comment: This sequence change replaces serine, which is neutral and polar, with leucine, which is neutral and non-polar, at codon 608 of the NFAT5 protein (p.Ser608Leu). This variant is present in population databases (rs369860927, gnomAD 0.01%). This variant has not been reported in the literature in individuals affected with NFAT5-related conditions. ClinVar contains an entry for this variant (Variation ID: 840544). An algorithm developed to predict the effect of missense changes on protein structure and function (PolyPhen-2) suggests that this variant is likely to be tolerated. In summary, the available evidence is currently insufficient to determine the role of this variant in disease. Therefore, it has been classified as a Variant of Uncertain Significance.

Ambry Genetics
Classification: Uncertain significance. Last evaluated: 2021-12-07. Review status: criteria provided, single submitter. Criteria: Ambry Variant Classification Scheme 2023. Collection method: clinical testing. Allele origin: germline.